The following is an entry in ClinVar:

ClinVar aggregate classification (germline): Benign/Likely benign. Review status: criteria provided, multiple submitters, no conflicts (2 of 4 stars). 3 submissions from 3 submitters: Benign (1); Likely benign (1). 1 of the submissions does not count toward it. Last evaluated 2026-06-01.

Conditions:
Junctional epidermolysis bullosa gravis of Herlitz. Also called: Epidermolysis Bullosa Letalis; EPIDERMOLYSIS BULLOSA JUNCTIONALIS, HERLITZ TYPE; EPIDERMOLYSIS BULLOSA, JUNCTIONAL, HERLITZ-PEARSON TYPE; JEB-HERLITZ TYPE; EPIDERMOLYSIS BULLOSA, JUNCTIONAL 1B, SEVERE; Herlitz-type junctional epidermolysis bullosa. Identifiers: Orphanet 79404, MedGen C0079683, MONDO:0009182, OMIM 226700.

Allele frequency attached by ClinVar (database versions not stated): TOPMed 0.00025; ESP Exome Variant Server 0.00046; gnomAD exomes 0.00083 and 0.00204; 1000 Genomes Project 30x 0.00094; 1000 Genomes Project 0.00100; ExAC 0.00144; gnomAD 0.00190 and 0.00200.
gnomAD v4.1: 1,490 of 1,614,020 alleles (0.092%); highest among the groups gnomAD compares: East Asian, 0.027%; 10 homozygotes.

Submissions (3):

CeGaT Center for Human Genetics Tuebingen
Classification: Likely benign. Last evaluated: 2026-06-01. Review status: criteria provided, single submitter. Criteria: CeGaT Center For Human Genetics Tuebingen Variant Classification Criteria Version 2. Collection method: clinical testing. Allele origin: germline. Affected: yes. Observed: 1 variant allele.
Comment: LAMA3: BS2

Labcorp Genetics (formerly Invitae), Labcorp
Classification: Benign. Last evaluated: 2026-01-11. Review status: criteria provided, single submitter. Criteria: Invitae Variant Classification Sherloc (09022015). Collection method: clinical testing. Allele origin: germline.

Counsyl
Classification: Likely benign for Junctional epidermolysis bullosa gravis of Herlitz. Last evaluated: 2017-02-27. Review status: no assertion criteria provided. Collection method: clinical testing. Allele origin: unknown. Not counted in ClinVar's aggregate classification.

NM_198129.4(LAMA3):c.9559C>T (p.Arg3187Cys)

Gene: LAMA3 (laminin subunit alpha 3; plus strand). Cytogenetic location: 18q11.2.
Variant type: single nucleotide variant.
Coding change: c.9559C>T on transcript NM_198129.4 (MANE Select); coding-DNA position 9559, C replaced by T.
Protein change: p.Arg3187Cys; replaces arginine 3187 with cysteine.
Molecular consequence: missense variant.
Genome position (GRCh38, 1-based): chr18:23,950,076, C>T. VCF-style: chr18-23950076-C-T. GRCh37 (hg19) VCF-style: chr18-21530040-C-T.
Other names: c.4732C>T, p.Arg1578Cys (NM_000227.6); c.9391C>T, p.Arg3131Cys (NM_001127717.4); c.4564C>T, p.Arg1522Cys (NM_001127718.4); short protein forms R3187C, R1578C, R1522C, R3131C.
Identifiers: ClinVar variation 550887 (VCV000550887.15), dbSNP rs150956802, ClinGen allele CA8917227.
Genomic context (GRCh38, chr18:23,950,076, plus strand): 5'-TCTCTTTTGAAAGCTCACTCTGTATTGTTGGGGCCAGAATTTAAGCTTGTTTTCAGCATC[C>T]GCCCAAGAAGTCTCACTGGGATCCTAATACACATCGGAAGTCAGCCCGGGAAGCACTTAT-3'
Protein context (NP_937762.2, residues 3177-3197): GPEFKLVFSI[Arg3187Cys]PRSLTGILIH